The following is an entry in ClinVar:

ClinVar aggregate classification (germline): Likely benign. Review status: criteria provided, multiple submitters, no conflicts (2 of 4 stars). 2 submissions from 2 submitters: Likely benign (2). Last evaluated 2025-03-12.

Conditions:
Pheochromocytoma. Also called: MAX-Related Hereditary Paraganglioma-Pheochromocytoma Syndrome. Identifiers: Orphanet 29072, MedGen C0031511, MONDO:0008233, OMIM 171300, HP:0002666.
Gastrointestinal stromal tumor. Also called: Gastrointestinal stromal tumor, somatic; Gastrointestinal stroma tumor. Identifiers: Orphanet 44890, MedGen C0238198, MeSH D046152, MONDO:0011719, OMIM 606764, HP:0100723.
Pheochromocytoma/paraganglioma syndrome 4. Also called: SDHB-Related Hereditary Paraganglioma-Pheochromocytoma Syndrome (Paragangliomas 4); SDHB-Related Hereditary Paraganglioma-Pheochromocytoma Syndrome; CAROTID BODY TUMORS AND MULTIPLE EXTRAADRENAL PHEOCHROMOCYTOMAS; PARAGANGLIOMA, FAMILIAL MALIGNANT; PARAGANGLIOMAS, HEREDITARY EXTRAADRENAL; PHEOCHROMOCYTOMA, FAMILIAL EXTRAADRENAL. Identifiers: Orphanet 29072, MedGen C1861848, MONDO:0007273, OMIM 115310.

Submissions (2):

Myriad Genetics, Inc.
Classification: Likely benign for Pheochromocytoma/paraganglioma syndrome 4. Last evaluated: 2025-03-12. Review status: criteria provided, single submitter. Criteria: Myriad Autosomal Dominant, Autosomal Recessive and X-Linked Classification Criteria (2023). Collection method: clinical testing. Allele origin: unknown.
Comment: This variant is considered likely benign. This variant is intronic and is not expected to impact mRNA splicing.

Labcorp Genetics (formerly Invitae), Labcorp
Classification: Likely benign for Gastrointestinal stromal tumor; Pheochromocytoma/paraganglioma syndrome 4; Pheochromocytoma. Last evaluated: 2022-07-26. Review status: criteria provided, single submitter. Criteria: Invitae Variant Classification Sherloc (09022015). Collection method: clinical testing. Allele origin: germline.

NM_003000.3(SDHB):c.424-14_424-9del

Gene: SDHB (succinate dehydrogenase complex iron sulfur subunit B; minus strand). Cytogenetic location: 1p36.13.
Variant type: Deletion.
Coding change: c.424-14_424-9del on transcript NM_003000.3 (MANE Select); 14 bases into the intron before coding-DNA position 424 through 9 bases into the intron before coding-DNA position 424, 6 bases deleted (CCTCTT; older notation c.424-14_424-9delCCTCTT).
Molecular consequence: intron variant.
Genome position (GRCh38, 1-based): chr1:17,027,874-17,027,879, AAGAGG deleted on the plus strand (CCTCTT on the coding strand, the reverse complement: SDHB is on the minus strand); deleting any 6 consecutive bases within chr1:17,027,874-17,027,883 gives the same sequence; the c. name uses the placement nearest the transcript's 3' end. VCF-style (leftmost placement, unchanged base first): chr1-17027873-TAAGAGG-T. GRCh37 (hg19) VCF-style: chr1-17354368-TAAGAGG-T.
Identifiers: ClinVar variation 1934679 (VCV001934679.6), dbSNP rs1064794554, ClinGen allele CA2574235777.